The following is an entry in ClinVar:

ClinVar aggregate classification (germline): Uncertain significance (1 of 4 stars; one submission).

Allele frequency attached by ClinVar (database versions not stated): gnomAD exomes below 0.00001.
gnomAD v4.1: 1 of 1,614,182 alleles (0.000062%); highest among the groups gnomAD compares: Non-Finnish European, 0.000085%; no homozygotes.

Submission:

Labcorp Genetics (formerly Invitae), Labcorp
Classification: Uncertain significance. Last evaluated: 2025-04-28. Review status: criteria provided, single submitter. Criteria: Invitae Variant Classification Sherloc (09022015). Collection method: clinical testing. Allele origin: germline.
Comment: This sequence change replaces isoleucine, which is neutral and non-polar, with phenylalanine, which is neutral and non-polar, at codon 520 of the EMC1 protein (p.Ile520Phe). This variant is present in population databases (no rsID available, gnomAD 0.0009%). This variant has not been reported in the literature in individuals affected with EMC1-related conditions. ClinVar contains an entry for this variant (Variation ID: 1495191). Invitae Evidence Modeling of protein sequence and biophysical properties (such as structural, functional, and spatial information, amino acid conservation, physicochemical variation, residue mobility, and thermodynamic stability) indicates that this missense variant is not expected to disrupt EMC1 protein function with a negative predictive value of 80%. In summary, the available evidence is currently insufficient to determine the role of this variant in disease. Therefore, it has been classified as a Variant of Uncertain Significance.

NM_015047.3(EMC1):c.1558A>T (p.Ile520Phe)

Genes: EMC1 (ER membrane protein complex subunit 1; minus strand), EMC1-AS1 (EMC1 antisense RNA 1; plus strand). Cytogenetic location: 1p36.13.
Variant type: single nucleotide variant.
Coding change: c.1558A>T on transcript NM_015047.3 (MANE Select); coding-DNA position 1558, A replaced by T.
Protein change: p.Ile520Phe; replaces isoleucine 520 with phenylalanine.
Molecular consequence: missense variant.
Genome position (GRCh38, 1-based): chr1:19,233,010, T>A on the plus strand (A>T on the coding strand, the complement: EMC1 is on the minus strand). VCF-style: chr1-19233010-T-A. GRCh37 (hg19) VCF-style: chr1-19559504-T-A.
Other names: c.1555A>T, p.Ile519Phe (NM_001271427.2, NM_001271428.2); c.1492A>T, p.Ile498Phe (NM_001271429.2); c.1567A>T, p.Ile523Phe (NM_001375820.1); c.1564A>T, p.Ile522Phe (NM_001375821.1); short protein forms I498F, I523F, I520F, I519F, I522F.
Identifiers: ClinVar variation 1495191 (VCV001495191.6), dbSNP rs1384044948, ClinGen allele CA338762563.